The following is an entry in ClinVar:

ClinVar aggregate classification (germline): Uncertain significance. Review status: criteria provided, multiple submitters, no conflicts (2 of 4 stars). 2 submissions from 2 submitters: Uncertain significance (2). Last evaluated 2025-09-08.

Conditions:
Hereditary cancer-predisposing syndrome. Also called: Tumor predisposition; Hereditary Cancer Syndrome; Hereditary neoplastic syndrome; Neoplastic Syndromes, Hereditary. Identifiers: Orphanet 140162, MedGen C0027672, MeSH D009386, MONDO:0015356.
Hereditary nonpolyposis colorectal neoplasms. Identifiers: MedGen C0009405, MeSH D003123.

Submissions (2):

Ambry Genetics
Classification: Uncertain significance for Hereditary cancer-predisposing syndrome. Last evaluated: 2025-09-08. Review status: criteria provided, single submitter. Criteria: Ambry Variant Classification Scheme 2023. Collection method: clinical testing. Allele origin: germline.
Comment: The p.T333S variant (also known as c.998C>G), located in coding exon 4 of the MSH6 gene, results from a C to G substitution at nucleotide position 998. The threonine at codon 333 is replaced by serine, an amino acid with similar properties. This amino acid position is well conserved in available vertebrate species. In addition, the in silico prediction for this alteration is inconclusive. Based on the available evidence, the clinical significance of this variant remains unclear.

Labcorp Genetics (formerly Invitae), Labcorp
Classification: Uncertain significance for Hereditary nonpolyposis colorectal neoplasms. Last evaluated: 2025-07-30. Review status: criteria provided, single submitter. Criteria: Invitae Variant Classification Sherloc (09022015). Collection method: clinical testing. Allele origin: germline.
Comment: This sequence change replaces threonine, which is neutral and polar, with serine, which is neutral and polar, at codon 333 of the MSH6 protein (p.Thr333Ser). This variant is not present in population databases (gnomAD no frequency). This variant has not been reported in the literature in individuals affected with MSH6-related conditions. ClinVar contains an entry for this variant (Variation ID: 410486). Invitae Evidence Modeling of protein sequence and biophysical properties (such as structural, functional, and spatial information, amino acid conservation, physicochemical variation, residue mobility, and thermodynamic stability) indicates that this missense variant is not expected to disrupt MSH6 protein function with a negative predictive value of 95%. In summary, the available evidence is currently insufficient to determine the role of this variant in disease. Therefore, it has been classified as a Variant of Uncertain Significance.

NM_000179.3(MSH6):c.998C>G (p.Thr333Ser)

Gene: MSH6 (mutS homolog 6; plus strand). Cytogenetic location: 2p16.3.
Variant type: single nucleotide variant.
Coding change: c.998C>G on transcript NM_000179.3 (MANE Select); coding-DNA position 998, C replaced by G.
Protein change: p.Thr333Ser; replaces threonine 333 with serine.
Molecular consequence: missense variant.
Genome position (GRCh38, 1-based): chr2:47,798,981, C>G. VCF-style: chr2-47798981-C-G. GRCh37 (hg19) VCF-style: chr2-48026120-C-G.
Other names: c.608C>G, p.Thr203Ser (NM_001281492.2); c.92C>G, p.Thr31Ser (NM_001281493.2, NM_001281494.2); short protein forms T333S, T31S, T203S.
Identifiers: ClinVar variation 410486 (VCV000410486.11), dbSNP rs587781983, ClinGen allele CA16610874.